The following is an entry in ClinVar:

ClinVar aggregate classification (germline): Pathogenic (1 of 4 stars; one submission).

Submission:

Labcorp Genetics (formerly Invitae), Labcorp
Classification: Pathogenic. Last evaluated: 2025-09-26. Review status: criteria provided, single submitter. Criteria: Invitae Variant Classification Sherloc (09022015). Collection method: clinical testing. Allele origin: germline.
Comment: This sequence change creates a premature translational stop signal (p.Tyr327*) in the PHEX gene. It is expected to result in an absent or disrupted protein product. Loss-of-function variants in PHEX are known to be pathogenic (PMID: 9097956, 9106524, 19219621). This variant is not present in population databases (gnomAD no frequency). This variant has not been reported in the literature in individuals affected with PHEX-related conditions. ClinVar contains an entry for this variant (Variation ID: 1388674). For these reasons, this variant has been classified as Pathogenic.

Literature cited by the submitters: PubMed 9097956; PubMed 9106524; PubMed 19219621.

NM_000444.6(PHEX):c.981C>A (p.Tyr327Ter)

Gene: PHEX (phosphate regulating endopeptidase X-linked; plus strand). Cytogenetic location: Xp22.11.
Variant type: single nucleotide variant.
Coding change: c.981C>A on transcript NM_000444.6 (MANE Select); coding-DNA position 981, C replaced by A.
Protein change: p.Tyr327Ter; replaces tyrosine 327 with a stop codon.
Molecular consequence: nonsense.
Genome position (GRCh38, 1-based): chrX:22,099,053, C>A. VCF-style: chrX-22099053-C-A. GRCh37 (hg19) VCF-style: chrX-22117171-C-A.
Other names: c.981C>A, p.Tyr327Ter (NM_001282754.2); short protein forms Y327*.
Identifiers: ClinVar variation 1388674 (VCV001388674.6), dbSNP rs1930295914, ClinGen allele CA412572838.